The following is an entry in ClinVar:

ClinVar aggregate classification (germline): Likely benign. Review status: criteria provided, multiple submitters, no conflicts (2 of 4 stars). 2 submissions from 2 submitters: Likely benign (2). Last evaluated 2025-04-17.

Conditions:
Dilated cardiomyopathy 1G (CMD1G). Identifiers: Orphanet 154, MedGen C1858763, MONDO:0011400, OMIM 604145.
Autosomal recessive limb-girdle muscular dystrophy type 2J (LGMDR10). Also called: MUSCULAR DYSTROPHY, LIMB-GIRDLE, AUTOSOMAL RECESSIVE 10; Limb-girdle muscular dystrophy, type 2J. Identifiers: Orphanet 140922, MedGen C1837342, MONDO:0012127, OMIM 608807.

Allele frequency attached by ClinVar (database versions not stated): gnomAD exomes below 0.00001; TOPMed 0.00001.
gnomAD v4.1: 3 of 1,612,150 alleles (0.00019%); highest among the groups gnomAD compares: African/African-American, 0.0013%; no homozygotes.

Submissions (2):

Labcorp Genetics (formerly Invitae), Labcorp
Classification: Likely benign for Dilated cardiomyopathy 1G; Autosomal recessive limb-girdle muscular dystrophy type 2J. Last evaluated: 2025-04-17. Review status: criteria provided, single submitter. Criteria: Invitae Variant Classification Sherloc (09022015). Collection method: clinical testing. Allele origin: germline.

GeneDx
Classification: Likely benign. Last evaluated: 2016-10-27. Review status: criteria provided, single submitter. Criteria: GeneDx Variant Classification (06012015). Collection method: clinical testing. Allele origin: germline. Affected: yes.
Comment: This variant is considered likely benign or benign based on one or more of the following criteria: it is a conservative change, it occurs at a poorly conserved position in the protein, it is predicted to be benign by multiple in silico algorithms, and/or has population frequency not consistent with disease.

NM_001267550.2(TTN):c.89775T>C (p.Thr29925=)

Genes: TTN-AS1 (TTN antisense RNA 1; plus strand), TTN (titin; minus strand). Cytogenetic location: 2q31.2.
Variant type: single nucleotide variant.
Coding change: c.89775T>C on transcript NM_001267550.2 (MANE Select); coding-DNA position 89775, T replaced by C.
Protein change: p.Thr29925=; no amino-acid change (threonine 29925 retained).
Molecular consequence: synonymous variant.
Genome position (GRCh38, 1-based): chr2:178,553,125, A>G on the plus strand (T>C on the coding strand, the complement: TTN is on the minus strand). VCF-style: chr2-178553125-A-G. GRCh37 (hg19) VCF-style: chr2-179417852-A-G.
Other names: c.84852T>C, p.Thr28284= (NM_001256850.1); c.62580T>C, p.Thr20860= (NM_003319.4); c.82071T>C, p.Thr27357= (NM_133378.4); c.62955T>C, p.Thr20985= (NM_133432.3); c.63156T>C, p.Thr21052= (NM_133437.4).
Identifiers: ClinVar variation 389967 (VCV000389967.2), dbSNP rs1057523600, ClinGen allele CA16603986.